The following is an entry in ClinVar:

ClinVar aggregate classification (germline): Uncertain significance (1 of 4 stars; one submission).

Submission:

CeGaT Center for Human Genetics Tuebingen
Classification: Uncertain significance. Last evaluated: 2024-09-01. Review status: criteria provided, single submitter. Criteria: CeGaT Center For Human Genetics Tuebingen Variant Classification Criteria Version 2. Collection method: clinical testing. Allele origin: germline. Affected: yes. Observed: 1 variant allele.
Comment: BGN: PM2, BP4

NM_001711.6(BGN):c.307T>C (p.Ser103Pro)

Gene: BGN (biglycan; plus strand). Cytogenetic location: Xq28.
Variant type: single nucleotide variant.
Coding change: c.307T>C on transcript NM_001711.6 (MANE Select); coding-DNA position 307, T replaced by C.
Protein change: p.Ser103Pro; replaces serine 103 with proline.
Molecular consequence: missense variant.
Genome position (GRCh38, 1-based): chrX:153,505,306, T>C. VCF-style: chrX-153505306-T-C. GRCh37 (hg19) VCF-style: chrX-152770764-T-C.
Other names: short protein forms S103P.
Identifiers: ClinVar variation 3389724 (VCV003389724.14).